The following is an entry in ClinVar:

NM_000834.5(GRIN2B):c.3922G>A (p.Val1308Met)

Gene: GRIN2B (glutamate ionotropic receptor NMDA type subunit 2B; minus strand). Cytogenetic location: 12p13.1.
Variant type: single nucleotide variant.
Coding change: c.3922G>A on transcript NM_000834.5 (MANE Select); coding-DNA position 3922, G replaced by A.
Protein change: p.Val1308Met; replaces valine 1308 with methionine.
Molecular consequence: missense variant.
Genome position (GRCh38, 1-based): chr12:13,563,316, C>T on the plus strand (G>A on the coding strand, the complement: GRIN2B is on the minus strand). VCF-style: chr12-13563316-C-T. GRCh37 (hg19) VCF-style: chr12-13716250-C-T.
Other names: short protein forms V1308M.
Identifiers: ClinVar variation 373230 (VCV000373230.20), dbSNP rs374746622, ClinGen allele CA6460816.

ClinVar aggregate classification (germline): Conflicting classifications of pathogenicity. Review status: criteria provided, conflicting classifications (1 of 4 stars). 3 submissions from 3 submitters: Uncertain significance (1); Likely benign (2). Last evaluated 2026-01-06.

Conditions:
Inborn genetic diseases. Identifiers: MedGen C0950123, MeSH D030342.
Intellectual developmental disorder, autosomal dominant 6, with or without seizures. Also called: Intellectual disability, autosomal dominant 6; GRIN2B-related developmental delay, intellectual disability and autism spectrum disorder. Identifiers: Orphanet 589547, MedGen C3151411, MONDO:0013509, OMIM 613970.
Developmental and epileptic encephalopathy, 27 (DEE27). Also called: GRIN2B-Related Neurodevelopmental Disorder; Epileptic encephalopathy, early infantile, 27. Identifiers: Orphanet 3451, MedGen C4015316, MONDO:0014505, OMIM 616139.

Allele frequency attached by ClinVar (database versions not stated): gnomAD exomes 0.00002 and 0.00005; gnomAD 0.00003; TOPMed 0.00008; ESP Exome Variant Server 0.00008; ExAC 0.00001.
gnomAD v4.1: 74 of 1,614,074 alleles (0.0046%); highest among the groups gnomAD compares: Middle Eastern, 0.016%; no homozygotes.

Submissions (3):

Labcorp Genetics (formerly Invitae), Labcorp
Classification: Likely benign for Developmental and epileptic encephalopathy, 27; Intellectual developmental disorder, autosomal dominant 6, with or without seizures. Last evaluated: 2026-01-06. Review status: criteria provided, single submitter. Criteria: Invitae Variant Classification Sherloc (09022015). Collection method: clinical testing. Allele origin: germline.

GeneDx
Classification: Likely benign. Last evaluated: 2021-02-26. Review status: criteria provided, single submitter. Criteria: GeneDx Variant Classification Process June 2021. Collection method: clinical testing. Allele origin: germline. Affected: yes.

Ambry Genetics
Classification: Uncertain significance for Inborn genetic diseases. Last evaluated: 2017-05-26. Review status: criteria provided, single submitter. Criteria: Ambry Variant Classification Scheme 2023. Collection method: clinical testing. Allele origin: germline.
Comment: The p.V1308M variant (also known as c.3922G>A), located in coding exon 12 of the GRIN2B gene, results from a G to A substitution at nucleotide position 3922. The valine at codon 1308 is replaced by methionine, an amino acid with highly similar properties. This amino acid position is highly conserved in available vertebrate species. In addition, this alteration is predicted to be tolerated by in silico analysis. Since supporting evidence is limited at this time, the clinical significance of this alteration remains unclear.